The following is an entry in ClinVar:

ClinVar aggregate classification (germline): Conflicting classifications of pathogenicity. Review status: no assertion criteria provided (0 of 4 stars). 2 submissions from 2 submitters: Uncertain significance (1); Likely benign (1). Last evaluated 2019-08-09.

Conditions:
DIP2B-related disorder. Also called: DIP2B-related condition.

Allele frequency attached by ClinVar (database versions not stated): gnomAD exomes 0.00019; 1000 Genomes Project 0.00020; ExAC 0.00026; ESP Exome Variant Server 0.00092; 1000 Genomes Project 30x 0.00016; gnomAD 0.00097; TOPMed 0.00097.
gnomAD v4.1: 264 of 1,611,690 alleles (0.016%); highest among the groups gnomAD compares: African/African-American, 0.31%; 1 homozygote.

Submissions (2):

PreventionGenetics, part of Exact Sciences
Classification: Likely benign for DIP2B-related condition. Last evaluated: 2019-08-09. Review status: no assertion criteria provided. Collection method: clinical testing. Allele origin: germline.
Comment: This variant is classified as likely benign based on ACMG/AMP sequence variant interpretation guidelines (Richards et al. 2015 PMID: 25741868, with internal and published modifications).

Department of Pathology and Laboratory Medicine, Sinai Health System
Classification: Uncertain significance. Review status: no assertion criteria provided. Collection method: clinical testing. Allele origin: unknown. Affected: yes. Study: The Canadian Open Genetics Repository (COGR).
Comment: The DIP2B p.Ile792Val variant was not identified in the literature nor was it identified in ClinVar, Cosmic or LOVD 3.0. The variant was identified in dbSNP (ID: rs11169525) and was found in control databases in 75 of 280338 chromosomes at a frequency of 0.000268 (Genome Aggregation Database Feb 27, 2017). The variant was observed in the following populations: African in 72 of 24890 chromosomes (freq: 0.002893) and Latino in 3 of 34302 chromosomes (freq: 0.000087), while the variant was not observed in the Ashkenazi Jewish, East Asian, European (Finnish), European (non-Finnish), Other and South Asian populations. The variant occurs outside of the splicing consensus sequence and in silico or computational prediction software programs (SpliceSiteFinder, MaxEntScan, NNSPLICE, GeneSplicer) do not predict a difference in splicing. The p.Ile792 residue is not conserved in mammals and all computational analyses (PolyPhen-2, SIFT, AlignGVGD, BLOSUM, MutationTaster) do not suggest a high likelihood of impact to the protein; however, this information is not predictive enough to rule out pathogenicity. In summary, based on the above information the clinical significance of this variant cannot be determined with certainty at this time. This variant is classified as a variant of uncertain significance.

NM_173602.3(DIP2B):c.2374A>G (p.Ile792Val)

Gene: DIP2B (disco interacting protein 2 homolog B; plus strand). Cytogenetic location: 12q13.12.
Variant type: single nucleotide variant.
Coding change: c.2374A>G on transcript NM_173602.3 (MANE Select); coding-DNA position 2374, A replaced by G.
Protein change: p.Ile792Val; replaces isoleucine 792 with valine.
Molecular consequence: missense variant.
Genome position (GRCh38, 1-based): chr12:50,704,188, A>G. VCF-style: chr12-50704188-A-G. GRCh37 (hg19) VCF-style: chr12-51097971-A-G.
Other names: c.2374A>G (NM_173602.2); short protein forms I792V.
Identifiers: ClinVar variation 1048869 (VCV001048869.3), dbSNP rs11169525, ClinGen allele CA6564797.
Genomic context (GRCh38, chr12:50,704,188, plus strand): 5'-TTTGTCTCTTAGGTAATTCCAGTGAATTCTGCAGGCTCTCCTGTTGGGGATGTGCCATTC[A>G]TCCGATCAGGATTGCTGGGGTTTGTAGGGCCGGTAAGTGATGCTTTCATGTTGATTTTGT-3'
Protein context (NP_775873.2, residues 782-802): AGSPVGDVPF[Ile792Val]RSGLLGFVGP